The following is an entry in ClinVar:

ClinVar aggregate classification (germline): Conflicting classifications of pathogenicity. Review status: criteria provided, conflicting classifications (1 of 4 stars). 3 submissions from 3 submitters: Uncertain significance (2); Likely benign (1). Last evaluated 2026-01-02.

Conditions:
Coffin-Siris syndrome 6. Identifiers: MedGen C4540499, MONDO:0033492, OMIM 617808.
Inborn genetic diseases. Identifiers: MedGen C0950123, MeSH D030342.

Allele frequency attached by ClinVar (database versions not stated): gnomAD 0.00001; gnomAD exomes 0.00001; ExAC 0.00002.
gnomAD v4.1: 22 of 1,613,030 alleles (0.0014%); highest among the groups gnomAD compares: Middle Eastern, 0.017%; no homozygotes.

Submissions (3):

Dasa
Classification: Uncertain significance for Coffin-Siris syndrome 6. Last evaluated: 2026-01-02. Review status: criteria provided, single submitter. Criteria: DASA Assertion Criteria. Collection method: clinical testing. Allele origin: germline.
Comment: NM_152641.4(ARID2):c.485T>A (p.Val162Glu) is a missense variant that results in the substitution of valine with glutamic acid. This variant is rare in population databases. The currently available literature and clinical evidence are not sufficient to establish a definitive association between this variant and the reported condition. Therefore, this variant is classified as a variant of uncertain significance.

Ambry Genetics
Classification: Likely benign for Inborn genetic diseases. Last evaluated: 2024-05-02. Review status: criteria provided, single submitter. Criteria: Ambry Variant Classification Scheme 2023. Collection method: clinical testing. Allele origin: germline.

Revvity Omics, Revvity
Classification: Uncertain significance for Coffin-Siris syndrome 6. Last evaluated: 2019-07-30. Review status: criteria provided, single submitter. Criteria: ACMG Guidelines, 2015. Collection method: clinical testing. Allele origin: germline.

NM_152641.4(ARID2):c.485T>A (p.Val162Glu)

Gene: ARID2 (AT-rich interaction domain 2; plus strand). Cytogenetic location: 12q12.
Variant type: single nucleotide variant.
Coding change: c.485T>A on transcript NM_152641.4 (MANE Select); coding-DNA position 485, T replaced by A.
Protein change: p.Val162Glu; replaces valine 162 with glutamic acid.
Molecular consequence: missense variant.
Genome position (GRCh38, 1-based): chr12:45,817,736, T>A. VCF-style: chr12-45817736-T-A. GRCh37 (hg19) VCF-style: chr12-46211519-T-A.
Other names: c.485T>A, p.Val162Glu (NM_001347839.2); c.485T>A (NM_152641.2); short protein forms V162E.
Identifiers: ClinVar variation 2439204 (VCV002439204.6), dbSNP rs749833945, ClinGen allele CA6525911.
Genomic context (GRCh38, chr12:45,817,736, plus strand): 5'-TGCGTCAAAGTTATGGGCTGTCCATGGACTTTAATTCGCCAAATGATTATAATAAATTGG[T>A]GCTTTCACTGTTATCTGGACTCCCAAATGAAGTGGACTTTGCTATTAACGTATGCACTCT-3'
Protein context (NP_689854.2, residues 152-172): FNSPNDYNKL[Val162Glu]LSLLSGLPNE